The following is an entry in ClinVar:

ClinVar aggregate classification (germline): Benign. Review status: criteria provided, multiple submitters, no conflicts (2 of 4 stars). 3 submissions from 3 submitters: Benign (2). 1 of the submissions does not count toward it. Last evaluated 2026-02-02.

Conditions:
DYNC2I2-related disorder. Also called: DYNC2I2-related condition.
Short-rib thoracic dysplasia 11 with or without polydactyly (SRTD11). Also called: SHORT-RIB THORACIC DYSPLASIA 11 WITHOUT POLYDACTYLY. Identifiers: Orphanet 474, Orphanet 93271, MedGen C3810200, MONDO:0014287, OMIM 615633.

Allele frequency attached by ClinVar (database versions not stated): 1000 Genomes Project 30x 0.00687; 1000 Genomes Project 0.00739; TOPMed 0.01370; ESP Exome Variant Server 0.01647; gnomAD 0.01873.
gnomAD v4.1: 32,696 of 1,578,884 alleles (2.1%); highest among the groups gnomAD compares: Non-Finnish European, 2.4%; 399 homozygotes.

Submissions 1 to 32 of 55:

Labcorp Genetics (formerly Invitae), Labcorp
Classification: Benign for Short-rib thoracic dysplasia 11 with or without polydactyly. Last evaluated: 2026-02-02. Review status: criteria provided, single submitter. Criteria: Invitae Variant Classification Sherloc (09022015). Collection method: clinical testing. Allele origin: germline.

GeneDx
Classification: Benign. Last evaluated: 2019-10-02. Review status: criteria provided, single submitter. Criteria: GeneDx Variant Classification Process June 2021. Collection method: clinical testing. Allele origin: germline. Affected: yes.

PreventionGenetics, part of Exact Sciences
Classification: Benign for DYNC2I2-related condition. Last evaluated: 2020-02-24. Review status: no assertion criteria provided. Collection method: clinical testing. Allele origin: germline. Not counted in ClinVar's aggregate classification.
Comment: This variant is classified as benign based on ACMG/AMP sequence variant interpretation guidelines (Richards et al. 2015 PMID: 25741868, with internal and published modifications).

Dr. Peter K. Rogan Lab, Western University
No classification provided (evidence only). Condition: Clear cell carcinoma of kidney. Review status: no classification provided. Collection method: in vitro. Allele origin: not applicable. Functional consequence: retained intron. Not counted in ClinVar's aggregate classification.

Dr. Peter K. Rogan Lab, Western University
No classification provided (evidence only). Condition: Clear cell carcinoma of kidney. Review status: no classification provided. Collection method: in vitro. Allele origin: not applicable. Functional consequence: retained intron. Not counted in ClinVar's aggregate classification.

Dr. Peter K. Rogan Lab, Western University
No classification provided (evidence only). Condition: Melanoma. Review status: no classification provided. Collection method: in vitro. Allele origin: not applicable. Functional consequence: retained intron. Not counted in ClinVar's aggregate classification.

Dr. Peter K. Rogan Lab, Western University
No classification provided (evidence only). Condition: Melanoma. Review status: no classification provided. Collection method: in vitro. Allele origin: not applicable. Functional consequence: retained intron. Not counted in ClinVar's aggregate classification.

Dr. Peter K. Rogan Lab, Western University
No classification provided (evidence only). Condition: Melanoma. Review status: no classification provided. Collection method: in vitro. Allele origin: not applicable. Functional consequence: retained intron. Not counted in ClinVar's aggregate classification.

Dr. Peter K. Rogan Lab, Western University
No classification provided (evidence only). Condition: Melanoma. Review status: no classification provided. Collection method: in vitro. Allele origin: not applicable. Functional consequence: retained intron. Not counted in ClinVar's aggregate classification.

Dr. Peter K. Rogan Lab, Western University
No classification provided (evidence only). Condition: Melanoma. Review status: no classification provided. Collection method: in vitro. Allele origin: not applicable. Functional consequence: retained intron. Not counted in ClinVar's aggregate classification.

Dr. Peter K. Rogan Lab, Western University
No classification provided (evidence only). Condition: Familial cancer of breast. Review status: no classification provided. Collection method: in vitro. Allele origin: not applicable. Functional consequence: retained intron. Not counted in ClinVar's aggregate classification.

Dr. Peter K. Rogan Lab, Western University
No classification provided (evidence only). Condition: Familial cancer of breast. Review status: no classification provided. Collection method: in vitro. Allele origin: not applicable. Functional consequence: skipped exon, retained intron. Not counted in ClinVar's aggregate classification.

Dr. Peter K. Rogan Lab, Western University
No classification provided (evidence only). Condition: Familial cancer of breast. Review status: no classification provided. Collection method: in vitro. Allele origin: not applicable. Functional consequence: retained intron. Not counted in ClinVar's aggregate classification.

Dr. Peter K. Rogan Lab, Western University
No classification provided (evidence only). Condition: Familial cancer of breast. Review status: no classification provided. Collection method: in vitro. Allele origin: not applicable. Functional consequence: retained intron. Not counted in ClinVar's aggregate classification.

Dr. Peter K. Rogan Lab, Western University
No classification provided (evidence only). Condition: Acute myeloid leukemia. Review status: no classification provided. Collection method: in vitro. Allele origin: not applicable. Functional consequence: retained intron. Not counted in ClinVar's aggregate classification.

Dr. Peter K. Rogan Lab, Western University
No classification provided (evidence only). Condition: Acute myeloid leukemia. Review status: no classification provided. Collection method: in vitro. Allele origin: not applicable. Functional consequence: retained intron. Not counted in ClinVar's aggregate classification.

Dr. Peter K. Rogan Lab, Western University
No classification provided (evidence only). Condition: Acute myeloid leukemia. Review status: no classification provided. Collection method: in vitro. Allele origin: not applicable. Functional consequence: retained intron. Not counted in ClinVar's aggregate classification.

Dr. Peter K. Rogan Lab, Western University
No classification provided (evidence only). Condition: Colon adenocarcinoma. Review status: no classification provided. Collection method: in vitro. Allele origin: not applicable. Functional consequence: retained intron. Not counted in ClinVar's aggregate classification.

Dr. Peter K. Rogan Lab, Western University
No classification provided (evidence only). Condition: Colon adenocarcinoma. Review status: no classification provided. Collection method: in vitro. Allele origin: not applicable. Functional consequence: skipped exon, retained intron. Not counted in ClinVar's aggregate classification.

Dr. Peter K. Rogan Lab, Western University
No classification provided (evidence only). Condition: Colorectal cancer. Review status: no classification provided. Collection method: in vitro. Allele origin: not applicable. Functional consequence: retained intron. Not counted in ClinVar's aggregate classification.

Dr. Peter K. Rogan Lab, Western University
No classification provided (evidence only). Condition: Uterine corpus endometrial carcinoma. Review status: no classification provided. Collection method: in vitro. Allele origin: not applicable. Functional consequence: retained intron. Not counted in ClinVar's aggregate classification.

Dr. Peter K. Rogan Lab, Western University
No classification provided (evidence only). Condition: Uterine corpus endometrial carcinoma. Review status: no classification provided. Collection method: in vitro. Allele origin: not applicable. Functional consequence: retained intron. Not counted in ClinVar's aggregate classification.

Dr. Peter K. Rogan Lab, Western University
No classification provided (evidence only). Condition: Uterine corpus endometrial carcinoma. Review status: no classification provided. Collection method: in vitro. Allele origin: not applicable. Functional consequence: retained intron. Not counted in ClinVar's aggregate classification.

Dr. Peter K. Rogan Lab, Western University
No classification provided (evidence only). Condition: Uterine corpus endometrial carcinoma. Review status: no classification provided. Collection method: in vitro. Allele origin: not applicable. Functional consequence: retained intron. Not counted in ClinVar's aggregate classification.

Dr. Peter K. Rogan Lab, Western University
No classification provided (evidence only). Condition: Cervical cancer. Review status: no classification provided. Collection method: in vitro. Allele origin: not applicable. Functional consequence: retained intron. Not counted in ClinVar's aggregate classification.

Dr. Peter K. Rogan Lab, Western University
No classification provided (evidence only). Condition: Cervical cancer. Review status: no classification provided. Collection method: in vitro. Allele origin: not applicable. Functional consequence: skipped exon, retained intron. Not counted in ClinVar's aggregate classification.

Dr. Peter K. Rogan Lab, Western University
No classification provided (evidence only). Condition: Cervical cancer. Review status: no classification provided. Collection method: in vitro. Allele origin: not applicable. Functional consequence: retained intron. Not counted in ClinVar's aggregate classification.

Dr. Peter K. Rogan Lab, Western University
No classification provided (evidence only). Condition: Cervical cancer. Review status: no classification provided. Collection method: in vitro. Allele origin: not applicable. Functional consequence: skipped exon, retained intron. Not counted in ClinVar's aggregate classification.

Dr. Peter K. Rogan Lab, Western University
No classification provided (evidence only). Condition: Cervical cancer. Review status: no classification provided. Collection method: in vitro. Allele origin: not applicable. Functional consequence: skipped exon. Not counted in ClinVar's aggregate classification.

Dr. Peter K. Rogan Lab, Western University
No classification provided (evidence only). Condition: Cervical cancer. Review status: no classification provided. Collection method: in vitro. Allele origin: not applicable. Functional consequence: skipped exon. Not counted in ClinVar's aggregate classification.

Dr. Peter K. Rogan Lab, Western University
No classification provided (evidence only). Condition: Cervical cancer. Review status: no classification provided. Collection method: in vitro. Allele origin: not applicable. Functional consequence: retained intron. Not counted in ClinVar's aggregate classification.

Dr. Peter K. Rogan Lab, Western University
No classification provided (evidence only). Condition: Sarcoma. Review status: no classification provided. Collection method: in vitro. Allele origin: not applicable. Functional consequence: retained intron. Not counted in ClinVar's aggregate classification.

NM_052844.4(DYNC2I2):c.187-3C>A

Gene: DYNC2I2 (dynein 2 intermediate chain 2; minus strand). Cytogenetic location: 9q34.11.
Variant type: single nucleotide variant.
Coding change: c.187-3C>A on transcript NM_052844.4 (MANE Select); 3 bases into the intron before coding-DNA position 187, C replaced by A.
Molecular consequence: intron variant.
Genome position (GRCh38, 1-based): chr9:128,640,942, G>T on the plus strand (C>A on the coding strand, the complement: DYNC2I2 is on the minus strand). VCF-style: chr9-128640942-G-T. GRCh37 (hg19) VCF-style: chr9-131403221-G-T.
Identifiers: ClinVar variation 474848 (VCV000474848.15), dbSNP rs12380424, ClinGen allele CA5266709.